The following is an entry in ClinVar:

ClinVar aggregate classification (germline): Uncertain significance (1 of 4 stars; one submission).

Conditions:
KMT2E-related disorder. Also called: KMT2E-related condition.

Submission:

PreventionGenetics, part of Exact Sciences
Classification: Uncertain significance for KMT2E-related condition. Last evaluated: 2026-08-24. Review status: criteria provided, single submitter. Criteria: ACMG Guidelines, 2015. Collection method: clinical testing. Allele origin: germline.
Comment: The KMT2E c.3049A>G variant is predicted to result in the amino acid substitution p.Lys1017Glu. To our knowledge, this variant has not been reported in the literature or in a large population database (gnomAD), indicating this variant is rare. At this time, the clinical significance of this variant is uncertain due to the absence of conclusive functional and genetic evidence.

NM_182931.3(KMT2E):c.3049A>G (p.Lys1017Glu)

Gene: KMT2E (lysine methyltransferase 2E (inactive); plus strand). Cytogenetic location: 7q22.3.
Variant type: single nucleotide variant.
Coding change: c.3049A>G on transcript NM_182931.3 (MANE Select); coding-DNA position 3049, A replaced by G.
Protein change: p.Lys1017Glu; replaces lysine 1017 with glutamic acid.
Molecular consequence: missense variant.
Genome position (GRCh38, 1-based): chr7:105,107,506, A>G. VCF-style: chr7-105107506-A-G. GRCh37 (hg19) VCF-style: chr7-104747953-A-G.
Other names: c.3049A>G, p.Lys1017Glu (NM_001410908.1, NM_018682.4); short protein forms K1017E.
Identifiers: ClinVar variation 4993157 (VCV004993157.1).